The following is an entry in ClinVar:

NM_006218.4(PIK3CA):c.220dup (p.Thr74fs)

Gene: PIK3CA (phosphatidylinositol-4,5-bisphosphate 3-kinase catalytic subunit alpha; plus strand). Cytogenetic location: 3q26.32.
Variant type: Duplication.
Coding change: c.220dup on transcript NM_006218.4 (MANE Select); coding-DNA position 220, one base duplicated (A; older notation c.220dupA).
Protein change: p.Thr74fs; shifts the reading frame from threonine 74.
Molecular consequence: frameshift variant.
Genome position (GRCh38, 1-based): chr3:179,199,045, A duplicated. VCF-style (leftmost placement, unchanged base first): chr3-179199044-T-TA. GRCh37 (hg19) VCF-style: chr3-178916832-T-TA.
Other names: short protein forms T74fs.
Identifiers: ClinVar variation 3360269 (VCV003360269.1).

ClinVar aggregate classification (germline): Uncertain significance (1 of 4 stars; one submission).

Submission:

GeneDx
Classification: Uncertain significance. Last evaluated: 2023-06-26. Review status: criteria provided, single submitter. Criteria: GeneDx Variant Classification Process June 2021. Collection method: clinical testing. Allele origin: germline. Affected: yes.
Comment: Frameshift variant predicted to result in protein truncation or nonsense mediated decay in a gene or region of a gene for which loss of function is not a well-established mechanism of disease; Not observed at significant frequency in large population cohorts (gnomAD); Has not been previously published as pathogenic or benign to our knowledge